The following is an entry in ClinVar:

NM_002796.3(PSMB4):c.651C>G (p.Cys217Trp)

Gene: PSMB4 (proteasome 20S subunit beta 4; plus strand). Cytogenetic location: 1q21.3.
Variant type: single nucleotide variant.
Coding change: c.651C>G on transcript NM_002796.3 (MANE Select); coding-DNA position 651, C replaced by G.
Protein change: p.Cys217Trp; replaces cysteine 217 with tryptophan.
Molecular consequence: missense variant.
Genome position (GRCh38, 1-based): chr1:151,401,313, C>G. VCF-style: chr1-151401313-C-G. GRCh37 (hg19) VCF-style: chr1-151373789-C-G.
Other names: short protein forms C217W.
Identifiers: ClinVar variation 2973190 (VCV002973190.3), dbSNP rs1652823172, ClinGen allele CA341926843.

ClinVar aggregate classification (germline): Uncertain significance (1 of 4 stars; one submission).

Allele frequency attached by ClinVar (database versions not stated): TOPMed below 0.00001.

Submission:

Labcorp Genetics (formerly Invitae), Labcorp
Classification: Uncertain significance. Last evaluated: 2023-11-14. Review status: criteria provided, single submitter. Criteria: Invitae Variant Classification Sherloc (09022015). Collection method: clinical testing. Allele origin: germline.
Comment: This sequence change replaces cysteine, which is neutral and slightly polar, with tryptophan, which is neutral and slightly polar, at codon 217 of the PSMB4 protein (p.Cys217Trp). This variant is not present in population databases (gnomAD no frequency). This variant has not been reported in the literature in individuals affected with PSMB4-related conditions. An algorithm developed to predict the effect of missense changes on protein structure and function (PolyPhen-2) suggests that this variant is likely to be disruptive. In summary, the available evidence is currently insufficient to determine the role of this variant in disease. Therefore, it has been classified as a Variant of Uncertain Significance.